The following is an entry in ClinVar:

NM_002693.3(POLG):c.143_144insCCAGCA (p.Gln47_Gln48insHisGln)

Genes: POLG (DNA polymerase gamma, catalytic subunit; minus strand), POLGARF (POLG alternative reading frame; minus strand). Cytogenetic location: 15q26.1.
Variant type: Insertion.
Coding change: c.143_144insCCAGCA on transcript NM_002693.3 (MANE Select); coding-DNA positions 143 to 144, CCAGCA inserted.
Protein change: p.Gln47_Gln48insHisGln.
Molecular consequence: inframe insertion.
Genome position: GRCh38 VCF-style: chr15-89333611-C-CTGCTGG. GRCh37 (hg19) VCF-style: chr15-89876842-C-CTGCTGG.
Other names: c.143_144insCCAGCA, p.Gln47_Gln48insHisGln (NM_001126131.2).
Identifiers: ClinVar variation 1008478 (VCV001008478.13), dbSNP rs2055627759, ClinGen allele CA2194573451.

ClinVar aggregate classification (germline): Uncertain significance. Review status: criteria provided, multiple submitters, no conflicts (2 of 4 stars). 2 submissions from 2 submitters: Uncertain significance (2). Last evaluated 2026-01-28.

Conditions:
Progressive sclerosing poliodystrophy (MTDPS4A). Also called: ALPERS PROGRESSIVE INFANTILE POLIODYSTROPHY; ALPERS DIFFUSE DEGENERATION OF CEREBRAL GRAY MATTER WITH HEPATIC CIRRHOSIS; Alpers-Huttenlocher Syndrome; NEURONAL DEGENERATION OF CHILDHOOD WITH LIVER DISEASE, PROGRESSIVE; Alpers Syndrome; Mitochondrial DNA Depletion Syndrome 4A. Identifiers: Orphanet 726, MedGen C0205710, MONDO:0008758, OMIM 203700.

Submissions (2):

Labcorp Genetics (formerly Invitae), Labcorp
Classification: Uncertain significance for Progressive sclerosing poliodystrophy. Last evaluated: 2026-01-28. Review status: criteria provided, single submitter. Criteria: Invitae Variant Classification Sherloc (09022015). Collection method: clinical testing. Allele origin: germline.
Comment: This variant, c.143_144insCCAGCA, results in the insertion of 2 amino acid(s) of the POLG protein (p.Gln47_Gln48insHisGln), but otherwise preserves the integrity of the reading frame. This variant is not present in population databases (gnomAD no frequency). This variant has not been reported in the literature in individuals affected with POLG-related conditions. ClinVar contains an entry for this variant (Variation ID: 1008478). Experimental studies and prediction algorithms are not available or were not evaluated, and the functional significance of this variant is currently unknown. In summary, the available evidence is currently insufficient to determine the role of this variant in disease. Therefore, it has been classified as a Variant of Uncertain Significance.

GeneDx
Classification: Uncertain significance. Last evaluated: 2019-06-24. Review status: criteria provided, single submitter. Criteria: GeneDx Variant Classification Process June 2021. Collection method: clinical testing. Allele origin: germline. Affected: yes.
Comment: Has not been previously published as pathogenic or benign to our knowledge; Not observed in large population cohorts (Lek et al., 2016); In-frame insertion in a repetitive region with no known function